The following is an entry in ClinVar:

ClinVar aggregate classification (germline): Uncertain significance (1 of 4 stars; one submission).

Submission:

GeneDx
Classification: Uncertain significance. Last evaluated: 2022-03-14. Review status: criteria provided, single submitter. Criteria: GeneDx Variant Classification Process June 2021. Collection method: clinical testing. Allele origin: germline. Affected: yes.
Comment: Not observed at significant frequency in large population cohorts (gnomAD); In silico analysis supports that this missense variant has a deleterious effect on protein structure/function; Has not been previously published as pathogenic or benign to our knowledge; Variants in candidate genes are classified as variants of uncertain significance in accordance with ACMG guidelines (Richards et al., 2015)

NM_003185.4(TAF4):c.1802C>G (p.Ser601Cys)

Gene: TAF4 (TATA-box binding protein associated factor 4; minus strand). Cytogenetic location: 20q13.33.
Variant type: single nucleotide variant.
Coding change: c.1802C>G on transcript NM_003185.4 (MANE Select); coding-DNA position 1802, C replaced by G.
Protein change: p.Ser601Cys; replaces serine 601 with cysteine.
Molecular consequence: missense variant.
Genome position (GRCh38, 1-based): chr20:62,009,134, G>C on the plus strand (C>G on the coding strand, the complement: TAF4 is on the minus strand). VCF-style: chr20-62009134-G-C. GRCh37 (hg19) VCF-style: chr20-60584190-G-C.
Other names: short protein forms S601C.
Identifiers: ClinVar variation 1723743 (VCV001723743.2), dbSNP rs2515991992, ClinGen allele CA409523216.